The following is an entry in ClinVar:

ClinVar aggregate classification (germline): Conflicting classifications of pathogenicity. Review status: criteria provided, conflicting classifications (1 of 4 stars). 2 submissions from 2 submitters: Uncertain significance (1); Likely benign (1). Last evaluated 2025-10-16.

Allele frequency attached by ClinVar (database versions not stated): ESP Exome Variant Server 0.00008; ExAC 0.00009; gnomAD 0.00009; 1000 Genomes Project 30x 0.00016; 1000 Genomes Project 0.00020.
gnomAD v4.1: 71 of 1,614,170 alleles (0.0044%); highest among the groups gnomAD compares: Admixed American, 0.038%; 1 homozygote.

Submissions (2):

Labcorp Genetics (formerly Invitae), Labcorp
Classification: Uncertain significance. Last evaluated: 2025-10-16. Review status: criteria provided, single submitter. Criteria: Invitae Variant Classification Sherloc (09022015). Collection method: clinical testing. Allele origin: germline.
Comment: This sequence change replaces arginine, which is basic and polar, with glutamine, which is neutral and polar, at codon 613 of the PCARE protein (p.Arg613Gln). This variant is present in population databases (rs369010126, gnomAD 0.04%). This variant has not been reported in the literature in individuals affected with PCARE-related conditions. ClinVar contains an entry for this variant (Variation ID: 1052361). An algorithm developed to predict the effect of missense changes on protein structure and function outputs the following: PolyPhen-2: "Benign". The glutamine amino acid residue is found in multiple mammalian species, which suggests that this missense change does not adversely affect protein function. In summary, the available evidence is currently insufficient to determine the role of this variant in disease. Therefore, it has been classified as a Variant of Uncertain Significance.

Blueprint Genetics
Classification: Likely benign. Last evaluated: 2022-10-27. Review status: criteria provided, single submitter. Criteria: ACMG Guidelines, 2015. Collection method: clinical testing. Allele origin: germline.

NM_001029883.3(PCARE):c.1838G>A (p.Arg613Gln)

Gene: PCARE (photoreceptor cilium actin regulator; minus strand). Cytogenetic location: 2p23.2.
Variant type: single nucleotide variant.
Coding change: c.1838G>A on transcript NM_001029883.3 (MANE Select); coding-DNA position 1838, G replaced by A.
Protein change: p.Arg613Gln; replaces arginine 613 with glutamine.
Molecular consequence: missense variant.
Genome position (GRCh38, 1-based): chr2:29,072,424, C>T on the plus strand (G>A on the coding strand, the complement: PCARE is on the minus strand). VCF-style: chr2-29072424-C-T. GRCh37 (hg19) VCF-style: chr2-29295290-C-T.
Other names: short protein forms R613Q.
Identifiers: ClinVar variation 1052361 (VCV001052361.4), dbSNP rs369010126, ClinGen allele CA1592344.